The following is an entry in ClinVar:

ClinVar aggregate classification (germline): Uncertain significance (1 of 4 stars; one submission).

Conditions:
Cardiomyopathy (CMYO). Also called: Cardiomyopathies. Identifiers: Orphanet 167848, MedGen C0878544, MONDO:0004994, HP:0001638. Inheritance: Various modes of inheritance.

gnomAD v4.1: 1 of 1,613,210 alleles (0.000062%); highest among the groups gnomAD compares: Middle Eastern, 0.017%; no homozygotes.

Submission:

Color Diagnostics, LLC DBA Color Health
Classification: Uncertain significance for Cardiomyopathy. Last evaluated: 2024-03-06. Review status: criteria provided, single submitter. Criteria: ACMG Guidelines, 2015. Collection method: clinical testing. Allele origin: germline.
Comment: This missense variant replaces threonine with asparagine at codon 332 of the TMEM43 protein. Computational prediction suggests that this variant may not impact protein structure and function (internally defined REVEL score threshold <= 0.5, PMID: 27666373). Splice site prediction tools suggest that this variant may not impact RNA splicing. To our knowledge, functional studies have not been performed for this variant. This variant has not been reported in individuals affected with cardiovascular disorders in the literature. This variant has not been identified in the general population by the Genome Aggregation Database (gnomAD). The available evidence is insufficient to determine the role of this variant in disease conclusively. Therefore, this variant is classified as a Variant of Uncertain Significance.

NM_024334.3(TMEM43):c.995C>A (p.Thr332Asn)

Gene: TMEM43 (transmembrane protein 43; plus strand). Cytogenetic location: 3p25.1.
Variant type: single nucleotide variant.
Coding change: c.995C>A on transcript NM_024334.3 (MANE Select); coding-DNA position 995, C replaced by A.
Protein change: p.Thr332Asn; replaces threonine 332 with asparagine.
Molecular consequence: missense variant.
Genome position (GRCh38, 1-based): chr3:14,139,292, C>A. VCF-style: chr3-14139292-C-A. GRCh37 (hg19) VCF-style: chr3-14180792-C-A.
Other names: short protein forms T332N.
Identifiers: ClinVar variation 920976 (VCV000920976.4), dbSNP rs1695218764, ClinGen allele CA351536317.
Genomic context (GRCh38, chr3:14,139,292, plus strand): 5'-GGGCAGCTGGCTGGATGGCCATGTTCATGGGCCTCAACCTTATGACACGGATCCTCTACA[C>A]CTTGGGTAGGTGTTGGGGTGGGTCACTGCCCTCCCTCCTGCACCCTGAAAGGGCCTCCTC-3'
Protein context (NP_077310.1, residues 322-342): GLNLMTRILY[Thr332Asn]LVDWFPVFRD